The following is an entry in ClinVar:

NM_000179.3(MSH6):c.876C>T (p.Ser292=)

Gene: MSH6 (mutS homolog 6; plus strand). Cytogenetic location: 2p16.3.
Variant type: single nucleotide variant.
Coding change: c.876C>T on transcript NM_000179.3 (MANE Select); coding-DNA position 876, C replaced by T.
Protein change: p.Ser292=; no amino-acid change (serine 292 retained).
Molecular consequence: synonymous variant. On other transcripts: 5 prime UTR variant (9), non-coding transcript variant (4), intron variant (1).
Genome position (GRCh38, 1-based): chr2:47,798,859, C>T. VCF-style: chr2-47798859-C-T. GRCh37 (hg19) VCF-style: chr2-48025998-C-T.
Other names: c.486C>T, p.Ser162= (NM_001281492.2); c.-31C>T (NM_001281493.2, NM_001281494.2, NM_001406811.1 and 6 more transcripts); c.972C>T, p.Ser324= (NM_001406795.1, NM_001406802.1); c.876C>T, p.Ser292= (NM_001406796.1, NM_001406798.1, NM_001406800.1 and 4 more transcripts); c.579C>T, p.Ser193= (NM_001406797.1, NM_001406801.1, NM_001406805.1 and 10 more transcripts); c.351C>T, p.Ser117= (NM_001406799.1, NM_001406806.1, NM_001406807.1); c.798C>T, p.Ser266= (NM_001406804.1); c.882C>T, p.Ser294= (NM_001406813.1); and 2 more.
Identifiers: ClinVar variation 3903822 (VCV003903822.1).
Genomic context (GRCh38, chr2:47,798,859, plus strand): 5'-AGGAAGCAGTGATGAAATAAGCAGTGGAGTGGGGGATAGTGAGAGTGAAGGCCTGAACAG[C>T]CCTGTCAAAGTTGCTCGAAAGCGGAAGAGAATGGTGACTGGAAATGGCTCTCTTAAAAGG-3'
Protein context (NP_000170.1, residues 282-302): VGDSESEGLN[Ser292=]PVKVARKRKR

ClinVar aggregate classification (germline): Benign (1 of 4 stars; one submission).

Conditions:
Lynch syndrome 5 (LYNCH5). Also called: Colorectal cancer, hereditary nonpolyposis, type 5; Hereditary non-polyposis colorectal cancer, type 5. Identifiers: Orphanet 144, MedGen C1833477, MONDO:0013710, OMIM 614350. Disease mechanism: loss of function.

Submission:

Myriad Genetics, Inc.
Classification: Benign for Lynch syndrome 5. Last evaluated: 2024-12-20. Review status: criteria provided, single submitter. Criteria: Myriad Autosomal Dominant, Autosomal Recessive and X-Linked Classification Criteria (2023). Collection method: clinical testing. Allele origin: unknown.
Comment: This variant is considered benign. This variant is a silent/synonymous amino acid change and it is not expected to impact splicing.